The following is an entry in ClinVar:

ClinVar aggregate classification (germline): Uncertain significance. Review status: criteria provided, multiple submitters, no conflicts (2 of 4 stars). 5 submissions from 4 submitters: Uncertain significance (5). Last evaluated 2025-12-25.

Conditions:
Hypercholesterolemia, autosomal dominant, type B (FHCL2). Also called: APOB-Related Familial Hypercholesterolemia, Autosomal Dominant; Hyperlipoproteinemia Type IIb; Familial Hypercholesterolemia Type B; APOLIPOPROTEIN B-100, FAMILIAL DEFECTIVE; APOLIPOPROTEIN B-100, FAMILIAL LIGAND-DEFECTIVE; HYPERCHOLESTEROLEMIA, FAMILIAL, DUE TO LIGAND-DEFECTIVE APOLIPOPROTEIN B. Identifiers: MedGen C1704417, MONDO:0007751, OMIM 144010.
Familial hypobetalipoproteinemia 1. Also called: Hypobetalipoproteinemia, normotriglyceridemic; Acanthocytosis with hypobetalipoproteinemia; APOB-Related Familial Hypobetalipoproteinemia. Identifiers: MedGen C4551990, MONDO:0014252, OMIM 615558.
Cardiovascular phenotype. Identifiers: MedGen CN230736.

Allele frequency attached by ClinVar (database versions not stated): TOPMed below 0.00001; gnomAD 0.00001; gnomAD exomes 0.00001 and 0.00004; ExAC 0.00006; 1000 Genomes Project 30x 0.00031; 1000 Genomes Project 0.00040.
gnomAD v4.1: 17 of 1,613,982 alleles (0.0011%); highest among the groups gnomAD compares: Admixed American, 0.018%; no homozygotes.

Submissions (5):

Labcorp Genetics (formerly Invitae), Labcorp
Classification: Uncertain significance for Familial hypobetalipoproteinemia 1; Hypercholesterolemia, autosomal dominant, type B. Last evaluated: 2025-12-25. Review status: criteria provided, single submitter. Criteria: Invitae Variant Classification Sherloc (09022015). Collection method: clinical testing. Allele origin: germline.
Comment: This sequence change replaces tyrosine, which is neutral and polar, with cysteine, which is neutral and slightly polar, at codon 129 of the APOB protein (p.Tyr129Cys). This variant is present in population databases (rs201368319, gnomAD 0.02%). This missense change has been observed in individual(s) with APOB-related conditions (PMID: 17570373). ClinVar contains an entry for this variant (Variation ID: 488157). An algorithm developed to predict the effect of missense changes on protein structure and function (PolyPhen-2) suggests that this variant is likely to be disruptive. In summary, the available evidence is currently insufficient to determine the role of this variant in disease. Therefore, it has been classified as a Variant of Uncertain Significance.

Ambry Genetics
Classification: Uncertain significance for Cardiovascular phenotype. Last evaluated: 2024-11-11. Review status: criteria provided, single submitter. Criteria: Ambry Variant Classification Scheme 2023. Collection method: clinical testing. Allele origin: germline.

Quest Diagnostics Nichols Institute San Juan Capistrano
Classification: Uncertain significance. Last evaluated: 2024-03-19. Review status: criteria provided, single submitter. Criteria: Quest Diagnostics criteria. Collection method: clinical testing. Allele origin: unknown.
Comment: The APOB c.386A>G (p.Tyr129Cys) variant has not been reported in individuals with APOB-related conditions in the published literature. The frequency of this variant in the general population, 0.00026 (9/34592 chromosomes (Genome Aggregation Database)), is uninformative in the assessment of its pathogenicity. Analysis of this variant using bioinformatics tools for the prediction of the effect of amino acid changes on protein structure and function yielded conflicting predictions that this variant is benign or damaging. Based on the available information, we are unable to determine the clinical significance of this variant.

Phosphorus, Inc.
Classification: Uncertain significance for Hypercholesterolemia, autosomal dominant, type B. Last evaluated: 2017-08-01. Review status: criteria provided, single submitter. Criteria: ACMG Guidelines, 2015. Collection method: clinical testing. Allele origin: germline. Observed: 1 variant allele.

Phosphorus, Inc.
Classification: Uncertain significance for Familial hypobetalipoproteinemia 1. Last evaluated: 2017-08-01. Review status: criteria provided, single submitter. Criteria: ACMG Guidelines, 2015. Collection method: clinical testing. Allele origin: germline. Observed: 1 variant allele.

Literature cited by the submitters: PubMed 17570373 (cited by Labcorp Genetics (formerly Invitae), Labcorp).

NM_000384.3(APOB):c.386A>G (p.Tyr129Cys)

Gene: APOB (apolipoprotein B; minus strand). Cytogenetic location: 2p24.1.
Variant type: single nucleotide variant.
Coding change: c.386A>G on transcript NM_000384.3 (MANE Select); coding-DNA position 386, A replaced by G.
Protein change: p.Tyr129Cys; replaces tyrosine 129 with cysteine.
Molecular consequence: missense variant.
Genome position (GRCh38, 1-based): chr2:21,038,109, T>C on the plus strand (A>G on the coding strand, the complement: APOB is on the minus strand). VCF-style: chr2-21038109-T-C. GRCh37 (hg19) VCF-style: chr2-21260981-T-C.
Other names: short protein forms Y129C.
Identifiers: ClinVar variation 488157 (VCV000488157.8), dbSNP rs201368319, ClinGen allele CA060102.
Genomic context (GRCh38, chr2:21,038,109, plus strand): 5'-TCATCTTTCTCCGGGTAAAGGAAAACCTGCTTCCCTTCTGGAATGGCCAGCTTGAGCTCA[T>C]ACCTGTCCCAGAGAGAGGATGGTCACGGAAATGTCCTTCTCCATTACAACTTGCTGGAAG-3'
Protein context (NP_000375.3, residues 119-139): SEEFAAAMSR[Tyr129Cys]ELKLAIPEGK